The following is an entry in ClinVar:

ClinVar aggregate classification (germline): Uncertain significance (1 of 4 stars; one submission).

Conditions:
Developmental and epileptic encephalopathy, 9 (DEE9). Also called: JUBERG-HELLMAN SYNDROME; EPILEPSY, FEMALE-RESTRICTED, WITH MENTAL RETARDATION; PCDH19-Related X-Linked Female-Limited Epilepsy with Mental Retardation; Early infantile epileptic encephalopathy 9. Identifiers: Orphanet 101039, Orphanet 2076, MedGen C1848137, MONDO:0010246, OMIM 300088. Disease mechanism: loss of function.

Allele frequency attached by ClinVar (database versions not stated): TOPMed below 0.00001; gnomAD 0.00001; gnomAD exomes 0.00002 and 0.00004; ExAC 0.00009.
gnomAD v4.1: 19 of 1,204,024 alleles (0.0016%); highest among the groups gnomAD compares: Non-Finnish European, 0.002%; no homozygotes.

Submission:

Labcorp Genetics (formerly Invitae), Labcorp
Classification: Uncertain significance for Developmental and epileptic encephalopathy, 9. Last evaluated: 2024-10-26. Review status: criteria provided, single submitter. Criteria: Invitae Variant Classification Sherloc (09022015). Collection method: clinical testing. Allele origin: germline.
Comment: This sequence change replaces glycine, which is neutral and non-polar, with serine, which is neutral and polar, at codon 726 of the PCDH19 protein (p.Gly726Ser). The frequency data for this variant in the population databases is considered unreliable, as metrics indicate poor data quality at this position in the gnomAD database. This variant has not been reported in the literature in individuals affected with PCDH19-related conditions. ClinVar contains an entry for this variant (Variation ID: 1524134). Invitae Evidence Modeling of protein sequence and biophysical properties (such as structural, functional, and spatial information, amino acid conservation, physicochemical variation, residue mobility, and thermodynamic stability) indicates that this missense variant is not expected to disrupt PCDH19 protein function with a negative predictive value of 95%. Algorithms developed to predict the effect of sequence changes on RNA splicing suggest that this variant may disrupt the consensus splice site. In summary, the available evidence is currently insufficient to determine the role of this variant in disease. Therefore, it has been classified as a Variant of Uncertain Significance.

NM_001184880.2(PCDH19):c.2176G>A (p.Gly726Ser)

Gene: PCDH19 (protocadherin 19; minus strand). Cytogenetic location: Xq22.1.
Variant type: single nucleotide variant.
Coding change: c.2176G>A on transcript NM_001184880.2 (MANE Select); coding-DNA position 2176, G replaced by A.
Protein change: p.Gly726Ser; replaces glycine 726 with serine.
Molecular consequence: missense variant. On other transcripts: intron variant (2).
Genome position (GRCh38, 1-based): chrX:100,403,636, C>T on the plus strand (G>A on the coding strand, the complement: PCDH19 is on the minus strand). VCF-style: chrX-100403636-C-T. GRCh37 (hg19) VCF-style: chrX-99658634-C-T.
Other names: c.2148-785G>A (NM_020766.3, NM_001105243.2); short protein forms G726S.
Identifiers: ClinVar variation 1524134 (VCV001524134.8), dbSNP rs771012472, ClinGen allele CA10468800.
Genomic context (GRCh38, chrX:100,403,636, plus strand): 5'-TAATGGGAGAAACCGAGATGCAATGCAGACACTTGCTGTTTTGTCCTTTTATAAAACAGC[C>T]GAGGAGACAAGTGATGGTTAAACAATTACTGCAAAGGAATTTAAAGGTTAGTGCATTCAG-3'
Protein context (NP_001171809.1, residues 716-736): SNCLTITCLL[Gly726Ser]CFIKGQNSKC